The following is an entry in ClinVar:

ClinVar aggregate classification (germline): Uncertain significance. Review status: criteria provided, multiple submitters, no conflicts (2 of 4 stars). 3 submissions from 3 submitters: Uncertain significance (3). Last evaluated 2022-07-17.

Conditions:
Familial hemophagocytic lymphohistiocytosis 4 (FHL4). Also called: STX11-Related Familial Hemophagocytic Lymphohistiocytosis (STX11-fHLH). Identifiers: Orphanet 540, MedGen C1863728, MONDO:0011336, OMIM 603552.

Allele frequency attached by ClinVar (database versions not stated): gnomAD exomes 0.00004; gnomAD 0.00005; ExAC 0.00006; ESP Exome Variant Server 0.00008; TOPMed 0.00008.
gnomAD v4.1: 75 of 1,614,030 alleles (0.0046%); highest among the groups gnomAD compares: Admixed American, 0.005%; no homozygotes.

Submissions (3):

Labcorp Genetics (formerly Invitae), Labcorp
Classification: Uncertain significance for Familial hemophagocytic lymphohistiocytosis 4. Last evaluated: 2022-07-17. Review status: criteria provided, single submitter. Criteria: Invitae Variant Classification Sherloc (09022015). Collection method: clinical testing. Allele origin: germline.
Comment: This sequence change replaces glutamic acid, which is acidic and polar, with glutamine, which is neutral and polar, at codon 36 of the STX11 protein (p.Glu36Gln). This variant is present in population databases (rs373333798, gnomAD 0.01%). This missense change has been observed in individual(s) with hemophagocytic lymphohistiocytosis (PMID: 20486178). ClinVar contains an entry for this variant (Variation ID: 647479). Algorithms developed to predict the effect of missense changes on protein structure and function are either unavailable or do not agree on the potential impact of this missense change (SIFT: "Tolerated"; PolyPhen-2: "Possibly Damaging"; Align-GVGD: "Class C0"). Experimental studies are conflicting or provide insufficient evidence to determine the effect of this variant on STX11 function (PMID: 20486178). In summary, the available evidence is currently insufficient to determine the role of this variant in disease. Therefore, it has been classified as a Variant of Uncertain Significance.

Blueprint Genetics
Classification: Uncertain significance. Last evaluated: 2022-06-02. Review status: criteria provided, single submitter. Criteria: ACMG Guidelines, 2015. Collection method: clinical testing. Allele origin: germline.

Fulgent Genetics
Classification: Uncertain significance for Familial hemophagocytic lymphohistiocytosis 4. Last evaluated: 2022-01-14. Review status: criteria provided, single submitter. Criteria: ACMG Guidelines, 2015. Collection method: clinical testing. Allele origin: unknown.

Literature cited by the submitters: PubMed 20486178 (cited by Labcorp Genetics (formerly Invitae), Labcorp).

NM_003764.4(STX11):c.106G>C (p.Glu36Gln)

Gene: STX11 (syntaxin 11; plus strand). Cytogenetic location: 6q24.2.
Variant type: single nucleotide variant.
Coding change: c.106G>C on transcript NM_003764.4 (MANE Select); coding-DNA position 106, G replaced by C.
Protein change: p.Glu36Gln; replaces glutamic acid 36 with glutamine.
Molecular consequence: missense variant.
Genome position (GRCh38, 1-based): chr6:144,186,733, G>C. VCF-style: chr6-144186733-G-C. GRCh37 (hg19) VCF-style: chr6-144507870-G-C.
Other names: c.106G>C (LRG_113t1); short protein forms E36Q.
Identifiers: ClinVar variation 647479 (VCV000647479.8), dbSNP rs373333798, ClinGen allele CA4031623.